The following is an entry in ClinVar:

ClinVar aggregate classification (germline): Uncertain significance (1 of 4 stars; one submission).

Conditions:
Neonatal-onset encephalopathy with rigidity and seizures. Also called: Lethal neonatal spasticity-epileptic encephalopathy syndrome. Identifiers: Orphanet 435845, MedGen C3281029, MONDO:0013784, OMIM 614498.

Allele frequency attached by ClinVar (database versions not stated): gnomAD exomes below 0.00001; ExAC 0.00001; gnomAD 0.00001.
gnomAD v4.1: 5 of 1,602,744 alleles (0.00031%); highest among the groups gnomAD compares: Non-Finnish European, 0.00043%; no homozygotes.

Submission:

Labcorp Genetics (formerly Invitae), Labcorp
Classification: Uncertain significance for Neonatal-onset encephalopathy with rigidity and seizures. Last evaluated: 2022-05-09. Review status: criteria provided, single submitter. Criteria: Invitae Variant Classification Sherloc (09022015). Collection method: clinical testing. Allele origin: germline.
Comment: This sequence change replaces cysteine, which is neutral and slightly polar, with serine, which is neutral and polar, at codon 308 of the BRAT1 protein (p.Cys308Ser). This variant is present in population databases (rs756185597, gnomAD 0.0009%). This variant has not been reported in the literature in individuals affected with BRAT1-related conditions. Algorithms developed to predict the effect of missense changes on protein structure and function (SIFT, PolyPhen-2, Align-GVGD) all suggest that this variant is likely to be tolerated. In summary, the available evidence is currently insufficient to determine the role of this variant in disease. Therefore, it has been classified as a Variant of Uncertain Significance.

NM_152743.4(BRAT1):c.922T>A (p.Cys308Ser)

Gene: BRAT1 (BRCA1 associated ATM activator 1; minus strand). Cytogenetic location: 7p22.3.
Variant type: single nucleotide variant.
Coding change: c.922T>A on transcript NM_152743.4 (MANE Select); coding-DNA position 922, T replaced by A.
Protein change: p.Cys308Ser; replaces cysteine 308 with serine.
Molecular consequence: missense variant. On other transcripts: non-coding transcript variant (1).
Genome position (GRCh38, 1-based): chr7:2,543,205, A>T on the plus strand (T>A on the coding strand, the complement: BRAT1 is on the minus strand). VCF-style: chr7-2543205-A-T. GRCh37 (hg19) VCF-style: chr7-2582839-A-T.
Other names: c.922T>A, p.Cys308Ser (NM_001350626.2); c.397T>A, p.Cys133Ser (NM_001350627.2); short protein forms C133S, C308S.
Identifiers: ClinVar variation 2135939 (VCV002135939.4), dbSNP rs756185597, ClinGen allele CA4128018.